The following is an entry in ClinVar:

ClinVar aggregate classification (germline): Pathogenic (1 of 4 stars; one submission).

Conditions:
Cortical dysplasia-focal epilepsy syndrome (PTHSL1). Also called: Pitt-Hopkins-like syndrome 1. Identifiers: Orphanet 163681, Orphanet 221150, MedGen C2750246, MONDO:0012400, OMIM 610042.

Submission:

Labcorp Genetics (formerly Invitae), Labcorp
Classification: Pathogenic for Cortical dysplasia-focal epilepsy syndrome. Last evaluated: 2022-07-12. Review status: criteria provided, single submitter. Criteria: Invitae Variant Classification Sherloc (09022015). Collection method: clinical testing. Allele origin: germline.
Comment: This variant is a gross deletion of the genomic region encompassing exon(s) 2-3 of the CNTNAP2 gene. This deletion is out-of-frame, and is expected to create a premature termination codon and result in an absent or disrupted protein product. Loss-of-function variants in CNTNAP2 are known to be pathogenic (PMID: 19896112, 21827697, 25045150, 26843181, 27439707). A similar copy number variant has been observed in individuals with Pitt-Hopkins-like syndrome or other related clinical features (PMID: 21827697, 22031302, 26843181, 27066544, 27439707). For these reasons, this variant has been classified as Pathogenic.

Literature cited by the submitters: PubMed 19896112; PubMed 21827697; PubMed 25045150; PubMed 26843181; PubMed 27439707; PubMed 22031302; PubMed 27066544.

NC_000007.14:g.(?_146774251)_(146839924_?)del

Gene: CNTNAP2 (contactin associated protein 2; plus strand). Cytogenetic location: 7q35.
Variant type: Deletion.
Identifiers: ClinVar variation 831327 (VCV000831327.2).